The following is an entry in ClinVar:

NM_001372044.2(SHANK3):c.869G>T (p.Arg290Leu)

Gene: SHANK3 (SH3 and multiple ankyrin repeat domains 3; plus strand). Cytogenetic location: 22q13.33.
Variant type: single nucleotide variant.
Coding change: c.869G>T on transcript NM_001372044.2 (MANE Select); coding-DNA position 869, G replaced by T.
Protein change: p.Arg290Leu; replaces arginine 290 with leucine.
Molecular consequence: missense variant.
Genome position (GRCh38, 1-based): chr22:50,679,062, G>T. VCF-style: chr22-50679062-G-T. GRCh37 (hg19) VCF-style: chr22-51117490-G-T.
Other names: c.644G>T (NM_033517.1); short protein forms R290L.
Identifiers: ClinVar variation 1691204 (VCV001691204.2), dbSNP rs775487427, ClinGen allele CA515253841.

ClinVar aggregate classification (germline): Uncertain significance (1 of 4 stars; one submission).

Submission:

GeneDx
Classification: Uncertain significance. Last evaluated: 2021-12-01. Review status: criteria provided, single submitter. Criteria: GeneDx Variant Classification Process June 2021. Collection method: clinical testing. Allele origin: germline. Affected: yes.
Comment: Not observed at significant frequency in large population cohorts (gnomAD); In silico analysis supports that this missense variant has a deleterious effect on protein structure/function; Has not been previously published as pathogenic or benign to our knowledge